The following is an entry in ClinVar:

ClinVar aggregate classification (germline): Uncertain significance. Review status: criteria provided, single submitter (1 of 4 stars). 2 submissions from 2 submitters: Uncertain significance (1). 1 of the submissions does not count toward it. Last evaluated 2021-06-11.

Conditions:
CRYL1-related disorder. Also called: CRYL1-related condition.

Allele frequency attached by ClinVar (database versions not stated): ExAC 0.00024; ESP Exome Variant Server 0.00059; gnomAD 0.00083; TOPMed 0.00110.
gnomAD v4.1: 357 of 1,612,478 alleles (0.022%); highest among the groups gnomAD compares: African/African-American, 0.23%; no homozygotes.

Submissions (2):

Ambry Genetics
Classification: Uncertain significance. Last evaluated: 2021-06-11. Review status: criteria provided, single submitter. Criteria: Ambry Variant Classification Scheme 2023. Collection method: clinical testing. Allele origin: germline.

PreventionGenetics, part of Exact Sciences
Classification: Likely benign for CRYL1-related condition. Last evaluated: 2020-02-05. Review status: no assertion criteria provided. Collection method: clinical testing. Allele origin: germline. Not counted in ClinVar's aggregate classification.
Comment: This variant is classified as likely benign based on ACMG/AMP sequence variant interpretation guidelines (Richards et al. 2015 PMID: 25741868, with internal and published modifications).

NM_015974.3(CRYL1):c.757G>A (p.Asp253Asn)

Gene: CRYL1 (crystallin lambda 1; minus strand). Cytogenetic location: 13q12.11.
Variant type: single nucleotide variant.
Coding change: c.757G>A on transcript NM_015974.3 (MANE Select); coding-DNA position 757, G replaced by A.
Protein change: p.Asp253Asn; replaces aspartic acid 253 with asparagine.
Molecular consequence: missense variant.
Genome position (GRCh38, 1-based): chr13:20,404,724, C>T on the plus strand (G>A on the coding strand, the complement: CRYL1 is on the minus strand). VCF-style: chr13-20404724-C-T. GRCh37 (hg19) VCF-style: chr13-20978863-C-T.
Other names: c.595G>A, p.Asp199Asn (NM_001363647.2); short protein forms D199N, D253N.
Identifiers: ClinVar variation 2269369 (VCV002269369.4), dbSNP rs145530540, ClinGen allele CA6904608.